The following is an entry in ClinVar:

ClinVar aggregate classification (germline): Uncertain significance. Review status: criteria provided, multiple submitters, no conflicts (2 of 4 stars). 2 submissions from 2 submitters: Uncertain significance (2). Last evaluated 2023-09-06.

Conditions:
Hereditary nonpolyposis colorectal neoplasms. Identifiers: MedGen C0009405, MeSH D003123.
Hereditary cancer-predisposing syndrome. Also called: Tumor predisposition; Hereditary neoplastic syndrome; Neoplastic Syndromes, Hereditary; Hereditary Cancer Syndrome. Identifiers: Orphanet 140162, MedGen C0027672, MeSH D009386, MONDO:0015356.

Submissions (2):

Labcorp Genetics (formerly Invitae), Labcorp
Classification: Uncertain significance for Hereditary nonpolyposis colorectal neoplasms. Last evaluated: 2023-09-06. Review status: criteria provided, single submitter. Criteria: Invitae Variant Classification Sherloc (09022015). Collection method: clinical testing. Allele origin: germline.
Comment: In summary, the available evidence is currently insufficient to determine the role of this variant in disease. Therefore, it has been classified as a Variant of Uncertain Significance. Advanced modeling of protein sequence and biophysical properties (such as structural, functional, and spatial information, amino acid conservation, physicochemical variation, residue mobility, and thermodynamic stability) performed at Invitae indicates that this missense variant is expected to disrupt PMS2 protein function. ClinVar contains an entry for this variant (Variation ID: 1493967). This variant has not been reported in the literature in individuals affected with PMS2-related conditions. This variant is not present in population databases (gnomAD no frequency). This sequence change replaces threonine, which is neutral and polar, with isoleucine, which is neutral and non-polar, at codon 155 of the PMS2 protein (p.Thr155Ile).

Ambry Genetics
Classification: Uncertain significance for Hereditary cancer-predisposing syndrome. Last evaluated: 2022-01-07. Review status: criteria provided, single submitter. Criteria: Ambry Variant Classification Scheme 2023. Collection method: clinical testing. Allele origin: germline.
Comment: The p.T155I variant (also known as c.464C>T), located in coding exon 5 of the PMS2 gene, results from a C to T substitution at nucleotide position 464. The threonine at codon 155 is replaced by isoleucine, an amino acid with similar properties. This amino acid position is highly conserved in available vertebrate species. In addition, this alteration is predicted to be deleterious by in silico analysis. Since supporting evidence is limited at this time, the clinical significance of this alteration remains unclear.

NM_000535.7(PMS2):c.464C>T (p.Thr155Ile)

Gene: PMS2 (PMS1 homolog 2, mismatch repair system component; minus strand). Cytogenetic location: 7p22.1.
Variant type: single nucleotide variant.
Coding change: c.464C>T on transcript NM_000535.7 (MANE Select); coding-DNA position 464, C replaced by T.
Protein change: p.Thr155Ile; replaces threonine 155 with isoleucine.
Molecular consequence: missense variant. On other transcripts: 5 prime UTR variant (2), non-coding transcript variant (1).
Genome position (GRCh38, 1-based): chr7:6,002,526, G>A on the plus strand (C>T on the coding strand, the complement: PMS2 is on the minus strand). VCF-style: chr7-6002526-G-A. GRCh37 (hg19) VCF-style: chr7-6042157-G-A.
Other names: c.59C>T, p.Thr20Ile (NM_001322003.2, NM_001322004.2, NM_001322005.2 and 3 more transcripts); c.464C>T, p.Thr155Ile (NM_001322006.2, NM_001322014.2); c.146C>T, p.Thr49Ile (NM_001322007.2, NM_001322008.2); c.-421C>T (NM_001322011.2, NM_001322012.2); c.155C>T, p.Thr52Ile (NM_001322015.2); short protein forms T20I, T155I, T52I, T49I.
Identifiers: ClinVar variation 1493967 (VCV001493967.10), dbSNP rs2128817131, ClinGen allele CA366744298.